The following is an entry in ClinVar:

ClinVar aggregate classification (germline): Uncertain significance (1 of 4 stars; one submission).

Conditions:
Hereditary breast ovarian cancer syndrome. Also called: Hereditary breast and ovarian cancer syndrome; Hereditary breast and ovarian cancer; Hereditary breast and ovarian cancer syndrome (HBOC); Hereditary breast and/or ovarian cancer syndrome; Breast and ovarian cancer; BRCA1- and BRCA2-Associated Hereditary Breast and Ovarian Cancer. Identifiers: Orphanet 145, MedGen C0677776, MeSH D061325, MONDO:0003582. Disease mechanism: loss of function.

gnomAD v4.1: 2 of 1,511,830 alleles (0.00013%); highest among the groups gnomAD compares: South Asian, 0.0023%; no homozygotes.

Submission:

Labcorp Genetics (formerly Invitae), Labcorp
Classification: Uncertain significance for Hereditary breast ovarian cancer syndrome. Last evaluated: 2024-12-18. Review status: criteria provided, single submitter. Criteria: Invitae Variant Classification Sherloc (09022015). Collection method: clinical testing. Allele origin: germline.
Comment: This variant occurs in a non-coding region of the BRCA1 gene. It does not change the encoded amino acid sequence of the BRCA1 protein. This variant is not present in population databases (gnomAD no frequency). This variant has not been reported in the literature in individuals affected with BRCA1-related conditions. Experimental studies and prediction algorithms are not available or were not evaluated, and the functional significance of this variant is currently unknown. Algorithms developed to predict the effect of sequence changes on RNA splicing suggest that this variant is not likely to affect RNA splicing. In summary, the available evidence is currently insufficient to determine the role of this variant in disease. Therefore, it has been classified as a Variant of Uncertain Significance.

NM_007294.4(BRCA1):c.-19-7G>C

Gene: BRCA1 (BRCA1 DNA repair associated; minus strand). Cytogenetic location: 17q21.31.
Variant type: single nucleotide variant.
Coding change: c.-19-7G>C on transcript NM_007294.4 (MANE Select); 7 bases into the intron before 19 bases upstream of the start codon, G replaced by C.
Molecular consequence: intron variant. On other transcripts: 5 prime UTR variant (10).
Genome position (GRCh38, 1-based): chr17:43,124,122, C>G on the plus strand (G>C on the coding strand, the complement: BRCA1 is on the minus strand). VCF-style: chr17-43124122-C-G. GRCh37 (hg19) VCF-style: chr17-41276139-C-G.
Other names: c.-26G>C (NM_001407593.1, NM_001407610.1, NM_001407621.1 and 6 more transcripts); c.-214G>C (NM_001408483.1); c.-61-8343G>C (NM_001408458.1); c.-219+1155G>C (NM_001407967.1); c.-170+1155G>C (NM_001407959.1); c.-8+1155G>C (NM_001407931.1, NM_001407747.1); c.-224+1155G>C (NM_001407962.1, NM_001408512.1, NM_001408510.1); c.-109+1155G>C (NM_001407885.1); and 28 more.
Identifiers: ClinVar variation 3603796 (VCV003603796.2).
Genomic context (GRCh38, chr17:43,124,122, plus strand): 5'-TGTACTTCTTCAACGCGAAGAGCAGATAAATCCATTTCTTTCTGTTCCAATGAACTTTAA[C>G]ACATTAGAAAAACATATATATATATCTTTTTAAAAGGTTTATAAAATGACAACTTCATTT-3'